The following is an entry in ClinVar:

NM_130839.5(UBE3A):c.680ATG[1] (p.Asp228del)

Genes: SNHG14 (small nucleolar RNA host gene 14; plus strand), UBE3A (ubiquitin protein ligase E3A; minus strand). Cytogenetic location: 15q11.2.
Variant type: Microsatellite.
Coding change: c.680ATG[1] on transcript NM_130839.5 (MANE Select); one copy of the 3-base unit ATG starting at c.680; the reference has two copies in a row; one copy, 3 bases deleted.
Protein change: p.Asp228del; deletes aspartic acid 228.
Molecular consequence: inframe deletion. On other transcripts: non-coding transcript variant (1), intron variant (2).
Genome position (GRCh38, 1-based): chr15:25,371,489-25,371,491, CAT deleted on the plus strand (ATG on the coding strand, the reverse complement: UBE3A is on the minus strand); deleting any 3 consecutive bases within chr15:25,371,489-25,371,496 gives the same sequence; the position shown is the placement nearest the transcript's 3' end. VCF-style (leftmost placement, unchanged base first): chr15-25371488-ACAT-A. GRCh37 (hg19) VCF-style: chr15-25616635-ACAT-A.
Other names: c.689ATG[1], p.Asp231del (NM_000462.5); c.680ATG[1], p.Asp228del (NM_001354505.1, NM_001354538.2, NM_001354545.2); c.620ATG[1], p.Asp208del (NM_001354506.2, NM_001354507.2, NM_001354508.2 and 17 more transcripts); c.503ATG[1], p.Asp169del (NM_001354546.2); c.301+3974_301+3976del (NM_001354551.2); c.361+3974_361+3976del (NM_001354550.2); short protein forms D228del, D231del, D169del, D208del.
Identifiers: ClinVar variation 1397865 (VCV001397865.6), dbSNP rs773438461, ClinGen allele CA7435600.
Genomic context (GRCh38, chr15:25,371,488, plus strand): 5'-ATTTTTTCATTAGAGAGCAATCTGGTGTAGACCCTTCTAATGGCATCAATATCCACAGAC[ACAT>A]CATCAGGGCCTAATTTTTGCAAATTGTTGTCTCCCTGTGAGCTATCACCTATCCTTGAGG-3'

ClinVar aggregate classification (germline): Uncertain significance (1 of 4 stars; one submission).

Conditions:
Angelman syndrome (AS). Also called: HAPPY PUPPET SYNDROME. Identifiers: Orphanet 72, MedGen C0162635, MONDO:0007113, OMIM 105830. Disease mechanism: loss of function. Inheritance: AS is caused by disruption of maternally imprinted UBE3A located within the 15q11.2-q13 Angelman syndrome/Prader-Willi syndrome (AS/PWS) region., imprinting disorder.

Submission:

Labcorp Genetics (formerly Invitae), Labcorp
Classification: Uncertain significance for Angelman syndrome. Last evaluated: 2026-01-19. Review status: criteria provided, single submitter. Criteria: Invitae Variant Classification Sherloc (09022015). Collection method: clinical testing. Allele origin: germline.
Comment: This variant, c.623_625del, results in the deletion of 1 amino acid(s) of the UBE3A protein (p.Asp208del), but otherwise preserves the integrity of the reading frame. This variant is present in population databases (rs773438461, gnomAD 0.007%). This variant has not been reported in the literature in individuals affected with UBE3A-related conditions. Experimental studies and prediction algorithms are not available or were not evaluated, and the functional significance of this variant is currently unknown. In summary, the available evidence is currently insufficient to determine the role of this variant in disease. Therefore, it has been classified as a Variant of Uncertain Significance.